The following is an entry in ClinVar:

NM_015102.5(NPHP4):c.903G>A (p.Pro301=)

Gene: NPHP4 (nephrocystin 4; minus strand). Cytogenetic location: 1p36.31.
Variant type: single nucleotide variant.
Coding change: c.903G>A on transcript NM_015102.5 (MANE Select); coding-DNA position 903, G replaced by A.
Protein change: p.Pro301=; no amino-acid change (proline 301 retained).
Molecular consequence: synonymous variant. On other transcripts: 5 prime UTR variant (2), non-coding transcript variant (1).
Genome position (GRCh38, 1-based): chr1:5,948,159, C>T on the plus strand (G>A on the coding strand, the complement: NPHP4 is on the minus strand). VCF-style: chr1-5948159-C-T. GRCh37 (hg19) VCF-style: chr1-6008219-C-T.
Other names: c.903G>A (NM_015102.4); c.-464G>A (NM_001291593.2, NM_001291594.2).
Identifiers: ClinVar variation 1116745 (VCV001116745.11), dbSNP rs757313436, ClinGen allele CA554705.

ClinVar aggregate classification (germline): Likely benign. Review status: criteria provided, single submitter (1 of 4 stars). 2 submissions from 2 submitters: Likely benign (1). 1 of the submissions does not count toward it. Last evaluated 2024-10-31.

Conditions:
Nephronophthisis. Also called: Juvenile Nephronophthisis. Identifiers: Orphanet 655, MedGen C0687120, MONDO:0019005, HP:0000090.
NPHP4-related disorder. Also called: NPHP4-related disorders; NPHP4-related condition. Identifiers: MedGen CN239384.

Allele frequency attached by ClinVar (database versions not stated): gnomAD exomes 0.00001; ExAC 0.00002; gnomAD 0.00004.
gnomAD v4.1: 29 of 1,613,134 alleles (0.0018%); highest among the groups gnomAD compares: Middle Eastern, 0.049%; no homozygotes.

Submissions (2):

Labcorp Genetics (formerly Invitae), Labcorp
Classification: Likely benign for Nephronophthisis. Last evaluated: 2024-10-31. Review status: criteria provided, single submitter. Criteria: Invitae Variant Classification Sherloc (09022015). Collection method: clinical testing. Allele origin: germline.

PreventionGenetics, part of Exact Sciences
Classification: Likely benign for NPHP4-related condition. Last evaluated: 2021-08-10. Review status: no assertion criteria provided. Collection method: clinical testing. Allele origin: germline. Not counted in ClinVar's aggregate classification.
Comment: This variant is classified as likely benign based on ACMG/AMP sequence variant interpretation guidelines (Richards et al. 2015 PMID: 25741868, with internal and published modifications).